The following is an entry in ClinVar:

NM_030973.4(MED25):c.354C>T (p.Leu118=)

Gene: MED25 (mediator complex subunit 25; plus strand). Cytogenetic location: 19q13.33.
Variant type: single nucleotide variant.
Coding change: c.354C>T on transcript NM_030973.4 (MANE Select); coding-DNA position 354, C replaced by T.
Protein change: p.Leu118=; no amino-acid change (leucine 118 retained).
Molecular consequence: synonymous variant.
Genome position (GRCh38, 1-based): chr19:49,828,497, C>T. VCF-style: chr19-49828497-C-T. GRCh37 (hg19) VCF-style: chr19-50331754-C-T.
Other names: c.354C>T, p.Leu118= (NM_001378355.1).
Identifiers: ClinVar variation 329879 (VCV000329879.44), dbSNP rs145574885, ClinGen allele CA9584816.
Genomic context (GRCh38, chr19:49,828,497, plus strand): 5'-CTGCCCCTGCAGGTTCATGGGCGGGGGTGGTGAGAGCTGCAGCCTCATCGCGGAAGGACT[C>T]AGCACAGCCTTGCAGCTGTTTGATGACTTCAAGAAGATGCGCGAGCAGATGTGAGTGCCC-3'
Protein context (NP_112235.2, residues 108-128): GESCSLIAEG[Leu118=]STALQLFDDF

ClinVar aggregate classification (germline): Benign/Likely benign. Review status: criteria provided, multiple submitters, no conflicts (2 of 4 stars). 7 submissions from 7 submitters: Benign (1); Likely benign (6). Last evaluated 2026-08-01.

Conditions:
Charcot-Marie-Tooth disease. Also called: Charcot-Marie-Tooth Neuropathy; Charcot-Marie-Tooth Hereditary Neuropathy. Identifiers: Orphanet 166, MedGen C0007959, MONDO:0015626.
Congenital cataract-microcephaly-nevus flammeus simplex-severe intellectual disability syndrome. Also called: Basel-Vanagaite-Smirin-Yosef syndrome. Identifiers: Orphanet 464738, MedGen C4225323, MONDO:0014643, OMIM 616449.
Charcot-Marie-Tooth disease type 2. Also called: Charcot-Marie-Tooth type 2. Identifiers: Orphanet 64746, MedGen C0270914, MONDO:0018993.

Allele frequency attached by ClinVar (database versions not stated): 1000 Genomes Project 0.00080; 1000 Genomes Project 30x 0.00094; ExAC 0.00096; gnomAD 0.00109 and 0.00110; gnomAD exomes 0.00109; TOPMed 0.00122; ESP Exome Variant Server 0.00123.
gnomAD v4.1: 2,158 of 1,614,128 alleles (0.13%); highest among the groups gnomAD compares: Non-Finnish European, 0.16%; 1 homozygote.

Submissions (7):

CeGaT Center for Human Genetics Tuebingen
Classification: Likely benign. Last evaluated: 2026-08-01. Review status: criteria provided, single submitter. Criteria: CeGaT Center For Human Genetics Tuebingen Variant Classification Criteria Version 2. Collection method: clinical testing. Allele origin: germline. Affected: yes. Observed: 10 variant alleles.
Comment: MED25: BP4, BP7

Labcorp Genetics (formerly Invitae), Labcorp
Classification: Likely benign for Charcot-Marie-Tooth disease type 2. Last evaluated: 2026-01-19. Review status: criteria provided, single submitter. Criteria: Invitae Variant Classification Sherloc (09022015). Collection method: clinical testing. Allele origin: germline.

ARUP Laboratories, Molecular Genetics and Genomics, ARUP Laboratories
Classification: Likely benign for Congenital cataract-microcephaly-nevus flammeus simplex-severe intellectual disability syndrome. Last evaluated: 2024-12-10. Review status: criteria provided, single submitter. Criteria: ARUP Molecular Germline Variant Investigation Process 2024. Collection method: clinical testing. Allele origin: germline.

Blueprint Genetics
Classification: Likely benign. Last evaluated: 2024-11-28. Review status: criteria provided, single submitter. Criteria: ACMG Guidelines, 2015. Collection method: clinical testing. Allele origin: germline.

GeneDx
Classification: Benign. Last evaluated: 2015-04-11. Review status: criteria provided, single submitter. Criteria: GeneDx Variant Classification (06012015). Collection method: clinical testing. Allele origin: germline. Affected: yes.
Comment: This variant is considered likely benign or benign based on one or more of the following criteria: it is a conservative change, it occurs at a poorly conserved position in the protein, it is predicted to be benign by multiple in silico algorithms, and/or has population frequency not consistent with disease.

Breakthrough Genomics
Classification: Likely benign. Review status: criteria provided, single submitter. Criteria: ACMG Guidelines, 2015. Collection method: not provided. Allele origin: germline. Inheritance: Autosomal recessive inheritance. Affected: yes.

Molecular Genetics Laboratory, London Health Sciences Centre
Classification: Likely benign for Charcot-Marie-Tooth disease. Review status: criteria provided, single submitter. Criteria: ACMG Guidelines, 2015. Collection method: clinical testing. Allele origin: germline. Affected: yes.